The following is an entry in ClinVar:

NM_006904.7(PRKDC):c.6515C>T (p.Ala2172Val)

Gene: PRKDC (protein kinase, DNA-activated, catalytic subunit; minus strand). Cytogenetic location: 8q11.21.
Variant type: single nucleotide variant.
Coding change: c.6515C>T on transcript NM_006904.7 (MANE Select); coding-DNA position 6515, C replaced by T.
Protein change: p.Ala2172Val; replaces alanine 2172 with valine.
Molecular consequence: missense variant.
Genome position (GRCh38, 1-based): chr8:47,857,250, G>A on the plus strand (C>T on the coding strand, the complement: PRKDC is on the minus strand). VCF-style: chr8-47857250-G-A. GRCh37 (hg19) VCF-style: chr8-48769811-G-A.
Other names: c.6515C>T, p.Ala2172Val (NM_001081640.2); short protein forms A2172V.
Identifiers: ClinVar variation 860945 (VCV000860945.4), dbSNP rs369585515, ClinGen allele CA4740329.

ClinVar aggregate classification (germline): Uncertain significance (1 of 4 stars; one submission).

Conditions:
Severe combined immunodeficiency due to DNA-PKcs deficiency. Also called: IMMUNODEFICIENCY 26 WITH NEUROLOGIC ABNORMALITIES; Immunodeficiency 26 with or without neurologic abnormalities. Identifiers: Orphanet 317425, MedGen C4014833, MONDO:0014423, OMIM 615966.

Allele frequency attached by ClinVar (database versions not stated): ExAC 0.00004; gnomAD exomes 0.00004 and 0.00013; TOPMed 0.00006; gnomAD 0.00009 and 0.00010; ESP Exome Variant Server 0.00025.
gnomAD v4.1: 197 of 1,613,836 alleles (0.012%); highest among the groups gnomAD compares: Non-Finnish European, 0.016%; no homozygotes.

Submission:

Labcorp Genetics (formerly Invitae), Labcorp
Classification: Uncertain significance for Severe combined immunodeficiency due to DNA-PKcs deficiency. Last evaluated: 2023-12-11. Review status: criteria provided, single submitter. Criteria: Invitae Variant Classification Sherloc (09022015). Collection method: clinical testing. Allele origin: germline.
Comment: This sequence change replaces alanine with valine at codon 2172 of the PRKDC protein (p.Ala2172Val). The alanine residue is weakly conserved and there is a small physicochemical difference between alanine and valine. This variant is present in population databases (rs369585515, gnomAD 0.009%). This variant has not been reported in the literature in individuals affected with PRKDC-related conditions. ClinVar contains an entry for this variant (Variation ID: 860945). Advanced modeling of protein sequence and biophysical properties (such as structural, functional, and spatial information, amino acid conservation, physicochemical variation, residue mobility, and thermodynamic stability) performed at Invitae indicates that this missense variant is not expected to disrupt PRKDC protein function with a negative predictive value of 80%. In summary, the available evidence is currently insufficient to determine the role of this variant in disease. Therefore, it has been classified as a Variant of Uncertain Significance.